The following is an entry in ClinVar:

NM_000051.4(ATM):c.5320-3T>C

Gene: ATM (ATM serine/threonine kinase; plus strand). Cytogenetic location: 11q22.3.
Variant type: single nucleotide variant.
Coding change: c.5320-3T>C on transcript NM_000051.4 (MANE Select); 3 bases into the intron before coding-DNA position 5320, T replaced by C.
Molecular consequence: intron variant.
Genome position (GRCh38, 1-based): chr11:108,302,850, T>C. VCF-style: chr11-108302850-T-C. GRCh37 (hg19) VCF-style: chr11-108173577-T-C.
Other names: c.5320-3T>C (NM_001351834.2).
Identifiers: ClinVar variation 860393 (VCV000860393.14), dbSNP rs1346691984, ClinGen allele CA602132837.

ClinVar aggregate classification (germline): Conflicting classifications of pathogenicity. Review status: criteria provided, conflicting classifications (1 of 4 stars). 3 submissions from 3 submitters: Uncertain significance (2); Likely benign (1). Last evaluated 2025-10-13.

Conditions:
Familial cancer of breast. Also called: hereditary breast carcinoma; BREAST CANCER, FAMILIAL; Hereditary breast cancer. Identifiers: Orphanet 227535, MedGen C0346153, MONDO:0016419, OMIM 114480. Disease mechanism: loss of function.
Ataxia-telangiectasia syndrome (AT). Also called: Ataxia telangiectasia (A-T); Cerebello-oculocutaneous telangiectasia; Immunodeficiency with ataxia telangiectasia; AT, COMPLEMENTATION GROUP C; ATAXIA-TELANGIECTASIA, COMPLEMENTATION GROUP A; ATAXIA-TELANGIECTASIA, FRESNO VARIANT. Identifiers: Orphanet 100, MedGen C0004135, MONDO:0008840, OMIM 208900.
Hereditary cancer-predisposing syndrome. Also called: Hereditary neoplastic syndrome; Tumor predisposition; Neoplastic Syndromes, Hereditary; Hereditary Cancer Syndrome. Identifiers: Orphanet 140162, MedGen C0027672, MeSH D009386, MONDO:0015356.

Allele frequency attached by ClinVar (database versions not stated): gnomAD exomes below 0.00001 and 0.00001.

Submissions (3):

Labcorp Genetics (formerly Invitae), Labcorp
Classification: Uncertain significance for Ataxia-telangiectasia syndrome. Last evaluated: 2025-10-13. Review status: criteria provided, single submitter. Criteria: Invitae Variant Classification Sherloc (09022015). Collection method: clinical testing. Allele origin: germline.
Comment: This sequence change falls in intron 35 of the ATM gene. It does not directly change the encoded amino acid sequence of the ATM protein. It affects a nucleotide within the consensus splice site. This variant is present in population databases (no rsID available, gnomAD 0.0009%). This variant has not been reported in the literature in individuals affected with ATM-related conditions. ClinVar contains an entry for this variant (Variation ID: 860393). Variants that disrupt the consensus splice site are a relatively common cause of aberrant splicing (PMID: 17576681, 9536098). Algorithms developed to predict the effect of sequence changes on RNA splicing suggest that this variant is not likely to affect RNA splicing. In summary, the available evidence is currently insufficient to determine the role of this variant in disease. Therefore, it has been classified as a Variant of Uncertain Significance.

Myriad Genetics, Inc.
Classification: Likely benign for Familial cancer of breast. Last evaluated: 2024-05-23. Review status: criteria provided, single submitter. Criteria: Myriad Autosomal Dominant, Autosomal Recessive and X-Linked Classification Criteria (2023). Collection method: clinical testing. Allele origin: unknown.
Comment: This variant is considered likely benign. This variant is intronic and is not expected to impact mRNA splicing.

Ambry Genetics
Classification: Uncertain significance for Hereditary cancer-predisposing syndrome. Last evaluated: 2023-05-19. Review status: criteria provided, single submitter. Criteria: Ambry Variant Classification Scheme 2023. Collection method: clinical testing. Allele origin: germline.
Comment: The c.5320-3T>C intronic variant results from a T to C substitution 3 nucleotides upstream from coding exon 35 in the ATM gene. This nucleotide position is well conserved in available vertebrate species. In silico splice site analysis predicts that this alteration will not have any significant effect on splicing. Since supporting evidence is limited at this time, the clinical significance of this alteration remains unclear.

Literature cited by the submitters: PubMed 17576681 (cited by Labcorp Genetics (formerly Invitae), Labcorp); PubMed 9536098 (cited by Labcorp Genetics (formerly Invitae), Labcorp).